The following is an entry in ClinVar:

ClinVar aggregate classification (germline): Pathogenic (1 of 4 stars; one submission).

Conditions:
DICER1-related tumor predisposition. Also called: DICER1 syndrome; DICER1-related pleuropulmonary blastoma cancer predisposition syndrome. Identifiers: Orphanet 284343, MedGen C3839822, MONDO:0100216.

Submission:

Labcorp Genetics (formerly Invitae), Labcorp
Classification: Pathogenic for DICER1-related tumor predisposition. Last evaluated: 2021-08-06. Review status: criteria provided, single submitter. Criteria: Invitae Variant Classification Sherloc (09022015). Collection method: clinical testing. Allele origin: germline.
Comment: For these reasons, this variant has been classified as Pathogenic. This variant has not been reported in the literature in individuals with DICER1-related conditions. This variant is not present in population databases (ExAC no frequency). This sequence change creates a premature translational stop signal (p.Lys1756Serfs*82) in the DICER1 gene. It is expected to result in an absent or disrupted protein product. Loss-of-function variants in DICER1 are known to be pathogenic (PMID: 19556464, 21266384).

Literature cited by the submitters: PubMed 19556464; PubMed 21266384.

NM_177438.3(DICER1):c.5267del (p.Lys1756fs)

Gene: DICER1 (dicer 1, ribonuclease III; minus strand). Cytogenetic location: 14q32.13.
Variant type: Deletion.
Coding change: c.5267del on transcript NM_177438.3 (MANE Select); coding-DNA position 5267, one base deleted (A; older notation c.5267delA).
Protein change: p.Lys1756fs; shifts the reading frame from lysine 1756.
Molecular consequence: frameshift variant.
Genome position (GRCh38, 1-based): chr14:95,093,985, T deleted on the plus strand (A on the coding strand, the reverse complement: DICER1 is on the minus strand); the first of 2 consecutive T bases (chr14:95,093,985-95,093,986); deleting either gives the same sequence. VCF-style (leftmost placement, unchanged base first): chr14-95093984-CT-C. GRCh37 (hg19) VCF-style: chr14-95560321-CT-C.
Other names: c.5267del, p.Lys1756fs (NM_001195573.1, NM_001271282.3, NM_001291628.2 and 1 more transcripts); short protein forms K1756fs.
Identifiers: ClinVar variation 1457357 (VCV001457357.7), dbSNP rs2139812177, ClinGen allele CA2573130333.
Genomic context (GRCh38, chr14:95,093,984, plus strand): 5'-CTGAAACTGCACAAAGTCATCAATGACATGGAAGAGCTCAGGAGAGACAGCTTTGAAGTA[CT>C]TGTGGTAGTCGTACTTTACAGCCAGCGATGCAAAGATGGTGTTGTTGACCAGGGCAGACC-3'